The following is an entry in ClinVar:

NM_004998.4(MYO1E):c.2627+1G>T

Gene: MYO1E (myosin IE; minus strand). Cytogenetic location: 15q22.2.
Variant type: single nucleotide variant.
Coding change: c.2627+1G>T on transcript NM_004998.4 (MANE Select); the canonical splice donor site of the intron after coding-DNA position 2627, G replaced by T.
Molecular consequence: splice donor variant.
Genome position (GRCh38, 1-based): chr15:59,163,156, C>A on the plus strand (G>T on the coding strand, the complement: MYO1E is on the minus strand). VCF-style: chr15-59163156-C-A. GRCh37 (hg19) VCF-style: chr15-59455355-C-A.
Identifiers: ClinVar variation 2645383 (VCV002645383.24), dbSNP rs200956105, ClinGen allele CA392636308.
Genomic context (GRCh38, chr15:59,163,156, plus strand): 5'-GGTGCGATCAAGACCCCTTTTTAGCTACACGCAGAAGTCTGGGTCCCAGATCCGGACTTA[C>A]GTATTGCTGAATTTCAGAGGTAGTTGCTTCTGGGTCTTCTCCTCGTAACGCTTTGCTAAG-3'

ClinVar aggregate classification (germline): Pathogenic (1 of 4 stars; one submission).

Submission:

CeGaT Center for Human Genetics Tuebingen
Classification: Pathogenic. Last evaluated: 2023-07-01. Review status: criteria provided, single submitter. Criteria: CeGaT Center For Human Genetics Tuebingen Variant Classification Criteria Version 2. Collection method: clinical testing. Allele origin: germline. Affected: yes. Observed: 1 variant allele.
Comment: MYO1E: PVS1, PM2